The following is an entry in ClinVar:

NM_006180.6(NTRK2):c.2149G>A (p.Val717Met)

Gene: NTRK2 (neurotrophic receptor tyrosine kinase 2; plus strand). Cytogenetic location: 9q21.33.
Variant type: single nucleotide variant.
Coding change: c.2149G>A on transcript NM_006180.6 (MANE Select); coding-DNA position 2149, G replaced by A.
Protein change: p.Val717Met; replaces valine 717 with methionine.
Molecular consequence: missense variant.
Genome position (GRCh38, 1-based): chr9:84,955,494, G>A. VCF-style: chr9-84955494-G-A. GRCh37 (hg19) VCF-style: chr9-87570409-G-A.
Other names: c.2101G>A, p.Val701Met (NM_001018064.3, NM_001369532.1, NM_001369533.1); c.2065G>A, p.Val689Met (NM_001369534.1); c.1633G>A, p.Val545Met (NM_001369535.1); c.1681G>A, p.Val561Met (NM_001369536.1); short protein forms V545M, V561M, V689M, V701M, V717M.
Identifiers: ClinVar variation 1683943 (VCV001683943.5), dbSNP rs2132979269, ClinGen allele CA374010356.

ClinVar aggregate classification (germline): Conflicting classifications of pathogenicity. Review status: criteria provided, conflicting classifications (1 of 4 stars). 2 submissions from 2 submitters: Likely pathogenic (1); Uncertain significance (1). Last evaluated 2025-10-02.

Conditions:
Inborn genetic diseases. Identifiers: MedGen C0950123, MeSH D030342.

Submissions (2):

Ambry Genetics
Classification: Likely pathogenic for Inborn genetic diseases. Last evaluated: 2025-10-02. Review status: criteria provided, single submitter. Criteria: Ambry Variant Classification Scheme 2023. Collection method: clinical testing. Allele origin: germline.
Comment: The c.2149G>A (p.V717M) alteration is located in exon 19 (coding exon 16) of the NTRK2 gene. This alteration results from a G to A substitution at nucleotide position 2149, causing the valine (V) at amino acid position 717 to be replaced by a methionine (M). for NTRK2-related obesity, hyperphagia, and developmental delay; however, its clinical significance for NTRK2-related developmental and epileptic encephalopathy is uncertain. This variant was not reported in population-based cohorts in the Genome Aggregation Database (gnomAD). This variant has been reported in multiple individuals with features consistent with NTRK2-related obesity, hyperphagia, and developmental delay (external communication, 2024). This amino acid position is highly conserved in available vertebrate species. This missense alteration is located in a region that has a low rate of benign missense variation (Lek, 2016; Firth, 2009). This alteration is predicted to be deleterious by in silico analysis. Based on the available evidence, this alteration is classified as likely pathogenic.

GeneDx
Classification: Uncertain significance. Last evaluated: 2022-05-09. Review status: criteria provided, single submitter. Criteria: GeneDx Variant Classification Process June 2021. Collection method: clinical testing. Allele origin: germline. Affected: yes.
Comment: Not observed at significant frequency in large population cohorts (gnomAD); In silico analysis supports that this missense variant does not alter protein structure/function; Has not been previously published as pathogenic or benign to our knowledge